The following is an entry in ClinVar:

ClinVar aggregate classification (germline): Conflicting classifications of pathogenicity. Review status: criteria provided, conflicting classifications (1 of 4 stars). 2 submissions from 2 submitters: Uncertain significance (1); Likely benign (1). Last evaluated 2026-01-26.

Conditions:
KBG syndrome (KBGS). Also called: ANKRD11-Related KBG Syndrome. Identifiers: Orphanet 2332, MedGen C0220687, MONDO:0007846, OMIM 148050.

Allele frequency attached by ClinVar (database versions not stated): gnomAD exomes below 0.00001.
gnomAD v4.1: 4 of 1,614,226 alleles (0.00025%); highest among the groups gnomAD compares: African/African-American, 0.0053%; no homozygotes.

Submissions (2):

Labcorp Genetics (formerly Invitae), Labcorp
Classification: Uncertain significance for KBG syndrome. Last evaluated: 2026-01-26. Review status: criteria provided, single submitter. Criteria: Invitae Variant Classification Sherloc (09022015). Collection method: clinical testing. Allele origin: germline.
Comment: This sequence change replaces alanine, which is neutral and non-polar, with threonine, which is neutral and polar, at codon 1767 of the ANKRD11 protein (p.Ala1767Thr). This variant is not present in population databases (gnomAD no frequency). This variant has not been reported in the literature in individuals affected with ANKRD11-related conditions. ClinVar contains an entry for this variant (Variation ID: 2912326). Invitae Evidence Modeling of protein sequence and biophysical properties (such as structural, functional, and spatial information, amino acid conservation, physicochemical variation, residue mobility, and thermodynamic stability) indicates that this missense variant is not expected to disrupt ANKRD11 protein function with a negative predictive value of 95%. In summary, the available evidence is currently insufficient to determine the role of this variant in disease. Therefore, it has been classified as a Variant of Uncertain Significance.

Blueprint Genetics
Classification: Likely benign. Last evaluated: 2024-02-15. Review status: criteria provided, single submitter. Criteria: ACMG Guidelines, 2015. Collection method: clinical testing. Allele origin: germline.

NM_013275.6(ANKRD11):c.5299G>A (p.Ala1767Thr)

Gene: ANKRD11 (ankyrin repeat domain 11; minus strand). Cytogenetic location: 16q24.3.
Variant type: single nucleotide variant.
Coding change: c.5299G>A on transcript NM_013275.6 (MANE Select); coding-DNA position 5299, G replaced by A.
Protein change: p.Ala1767Thr; replaces alanine 1767 with threonine.
Molecular consequence: missense variant.
Genome position (GRCh38, 1-based): chr16:89,281,243, C>T on the plus strand (G>A on the coding strand, the complement: ANKRD11 is on the minus strand). VCF-style: chr16-89281243-C-T. GRCh37 (hg19) VCF-style: chr16-89347651-C-T.
Other names: c.5299G>A, p.Ala1767Thr (NM_001256182.2, NM_001256183.2); short protein forms A1767T.
Identifiers: ClinVar variation 2912326 (VCV002912326.4), dbSNP rs1455510420, ClinGen allele CA397154795.